The following is an entry in ClinVar:

ClinVar aggregate classification (germline): Uncertain significance (1 of 4 stars; one submission).

Conditions:
Cardiovascular phenotype. Identifiers: MedGen CN230736.

gnomAD v4.1: 10 of 1,611,876 alleles (0.00062%); highest among the groups gnomAD compares: Non-Finnish European, 0.00085%; no homozygotes.

Submission:

Ambry Genetics
Classification: Uncertain significance for Cardiovascular phenotype. Last evaluated: 2026-08-31. Review status: criteria provided, single submitter. Criteria: Ambry Variant Classification Scheme 2023. Collection method: clinical testing. Allele origin: germline.
Comment: The c.4961-3C>T intronic variant results from a C to T substitution 3 nucleotides upstream from coding exon 35 in the LAMA4 gene. This nucleotide position is well conserved in available vertebrate species. In silico splice site analysis predicts that this alteration will not have any significant effect on splicing. The evidence for this gene-disease relationship is limited; therefore, the clinical significance of this variant is unclear.

NM_001105206.3(LAMA4):c.4982-3C>T

Gene: LAMA4 (laminin subunit alpha 4; minus strand). Cytogenetic location: 6q21.
Variant type: single nucleotide variant.
Coding change: c.4982-3C>T on transcript NM_001105206.3 (MANE Select); 3 bases into the intron before coding-DNA position 4982, C replaced by T.
Molecular consequence: intron variant.
Genome position (GRCh38, 1-based): chr6:112,115,996, G>A on the plus strand (C>T on the coding strand, the complement: LAMA4 is on the minus strand). VCF-style: chr6-112115996-G-A. GRCh37 (hg19) VCF-style: chr6-112437199-G-A.
Other names: c.4961-3C>T (NM_002290.5, NM_001105207.3).
Identifiers: ClinVar variation 5023470 (VCV005023470.1).